The following is an entry in ClinVar:

ClinVar aggregate classification (germline): Pathogenic. Review status: criteria provided, multiple submitters, no conflicts (2 of 4 stars). 3 submissions from 3 submitters: Pathogenic (3). Last evaluated 2024-07-09.

Conditions:
Neuromuscular disease caused by qualitative or quantitative defects of dysferlin. Also called: Dysferlinopathy; Qualitative or quantitative defects of dysferlin. Identifiers: Orphanet 207073, MedGen C2931687, MONDO:0016145.

Submissions (3):

Revvity Omics, Revvity
Classification: Pathogenic. Last evaluated: 2024-07-09. Review status: criteria provided, single submitter. Criteria: ACMG Guidelines, 2015. Collection method: clinical testing. Allele origin: germline.

Labcorp Genetics (formerly Invitae), Labcorp
Classification: Pathogenic for Neuromuscular disease caused by qualitative or quantitative defects of dysferlin. Last evaluated: 2023-11-10. Review status: criteria provided, single submitter. Criteria: Invitae Variant Classification Sherloc (09022015). Collection method: clinical testing. Allele origin: germline.
Comment: This sequence change affects a donor splice site in intron 7 of the DYSF gene. It is expected to disrupt RNA splicing. Variants that disrupt the donor or acceptor splice site typically lead to a loss of protein function (PMID: 16199547), and loss-of-function variants in DYSF are known to be pathogenic (PMID: 17698709, 20301480). This variant is not present in population databases (gnomAD no frequency). Disruption of this splice site has been observed in individuals with clinical features of DYSF-related conditions (PMID: 27647186; Invitae). ClinVar contains an entry for this variant (Variation ID: 284882). Algorithms developed to predict the effect of sequence changes on RNA splicing suggest that this variant may disrupt the consensus splice site. For these reasons, this variant has been classified as Pathogenic.

Eurofins Ntd Llc (ga)
Classification: Pathogenic. Last evaluated: 2015-12-14. Review status: criteria provided, single submitter. Criteria: EGL Classification Definitions 2015. Collection method: clinical testing. Allele origin: germline. Observed: 1 variant allele, 1 heterozygote.

Literature cited by the submitters: PubMed 16199547 (cited by Labcorp Genetics (formerly Invitae), Labcorp); PubMed 17698709 (cited by Labcorp Genetics (formerly Invitae), Labcorp); PubMed 20301480 (cited by Labcorp Genetics (formerly Invitae), Labcorp); PubMed 27647186 (cited by Labcorp Genetics (formerly Invitae), Labcorp).

NM_001130987.2(DYSF):c.888+2T>A

Gene: DYSF (dysferlin; plus strand). Cytogenetic location: 2p13.2.
Variant type: single nucleotide variant.
Coding change: c.888+2T>A on transcript NM_001130987.2 (MANE Select); the canonical splice donor site of the intron after coding-DNA position 888, T replaced by A.
Molecular consequence: splice donor variant.
Genome position (GRCh38, 1-based): chr2:71,515,753, T>A. VCF-style: chr2-71515753-T-A. GRCh37 (hg19) VCF-style: chr2-71742883-T-A.
Other names: c.885+2T>A (NM_001130979.2, NM_001130981.2, NM_001130980.2); c.792+2T>A (NM_001130978.2, NM_003494.4, NM_001130977.2 and 1 more transcripts); c.888+2T>A (NM_001130982.2, NM_001130985.2); c.795+2T>A (NM_001130983.2, NM_001130455.2, NM_001130984.2 and 1 more transcripts).
Identifiers: ClinVar variation 284882 (VCV000284882.9), dbSNP rs886042970, ClinGen allele CA10604937.
Genomic context (GRCh38, chr2:71,515,753, plus strand): 5'-CTGCAGGGCAGACCAAGCGGACGCGGATCCACAAGGGAAACAGCCCACTCTTCAATGAGG[T>A]GGGAGACATGGGGCATGAGGGCCAGAACCTTGGTGGGCCTTCCAATCTGGAAGCCCAGTG-3'